The following is an entry in ClinVar:

ClinVar aggregate classification (germline): Uncertain significance. Review status: criteria provided, multiple submitters, no conflicts (2 of 4 stars). 2 submissions from 2 submitters: Uncertain significance (2). Last evaluated 2026-01-19.

Conditions:
Postaxial polydactyly-anterior pituitary anomalies-facial dysmorphism syndrome. Also called: Culler-Jones syndrome. Identifiers: Orphanet 420584, MedGen C4014479, MONDO:0014369, OMIM 615849.
Holoprosencephaly 9 (HPE9). Also called: HOLOPROSENCEPHALY WITH MICROPHTHALMIA AND FIRST BRANCHIAL ARCH ANOMALIES; PITUITARY ANOMALIES WITH HOLOPROSENCEPHALY-LIKE FEATURES. Identifiers: Orphanet 2162, MedGen C1835819, MONDO:0012563, OMIM 610829.
GLI2-related disorder. Also called: GLI2-related disorders; GLI2-related condition.

Allele frequency attached by ClinVar (database versions not stated): TOPMed below 0.00001; ExAC 0.00001; gnomAD 0.00001; gnomAD exomes 0.00002.
gnomAD v4.1: 25 of 1,610,758 alleles (0.0016%); highest among the groups gnomAD compares: Admixed American, 0.0033%; no homozygotes.

Submissions (2):

Labcorp Genetics (formerly Invitae), Labcorp
Classification: Uncertain significance for Postaxial polydactyly-anterior pituitary anomalies-facial dysmorphism syndrome; Holoprosencephaly 9. Last evaluated: 2026-01-19. Review status: criteria provided, single submitter. Criteria: Invitae Variant Classification Sherloc (09022015). Collection method: clinical testing. Allele origin: germline.
Comment: This sequence change replaces asparagine, which is neutral and polar, with serine, which is neutral and polar, at codon 1297 of the GLI2 protein (p.Asn1297Ser). This variant is present in population databases (rs749812469, gnomAD 0.006%). This variant has not been reported in the literature in individuals affected with GLI2-related conditions. ClinVar contains an entry for this variant (Variation ID: 2045743). Invitae Evidence Modeling of protein sequence and biophysical properties (such as structural, functional, and spatial information, amino acid conservation, physicochemical variation, residue mobility, and thermodynamic stability) indicates that this missense variant is not expected to disrupt GLI2 protein function with a negative predictive value of 80%. In summary, the available evidence is currently insufficient to determine the role of this variant in disease. Therefore, it has been classified as a Variant of Uncertain Significance.

PreventionGenetics, part of Exact Sciences
Classification: Uncertain significance for GLI2-related condition. Last evaluated: 2023-05-16. Review status: criteria provided, single submitter. Criteria: ACMG Guidelines, 2015. Collection method: clinical testing. Allele origin: germline.
Comment: The GLI2 c.3890A>G variant is predicted to result in the amino acid substitution p.Asn1297Ser. To our knowledge, this variant has not been reported in the literature. This variant is reported in 0.0057% of alleles in individuals of Latino descent in gnomAD. At this time, the clinical significance of this variant is uncertain due to the absence of conclusive functional and genetic evidence.

NM_001374353.1(GLI2):c.3839A>G (p.Asn1280Ser)

Gene: GLI2 (GLI family zinc finger 2; plus strand). Cytogenetic location: 2q14.2.
Variant type: single nucleotide variant.
Coding change: c.3839A>G on transcript NM_001374353.1 (MANE Select); coding-DNA position 3839, A replaced by G.
Protein change: p.Asn1280Ser; replaces asparagine 1280 with serine.
Molecular consequence: missense variant.
Genome position (GRCh38, 1-based): chr2:120,989,804, A>G. VCF-style: chr2-120989804-A-G. GRCh37 (hg19) VCF-style: chr2-121747380-A-G.
Other names: c.3890A>G (NM_005270.4); c.3890A>G, p.Asn1297Ser (NM_001371271.1, NM_005270.5); c.3464A>G, p.Asn1155Ser (NM_001374354.1); short protein forms N1155S, N1280S, N1297S.
Identifiers: ClinVar variation 2045743 (VCV002045743.5), dbSNP rs749812469, ClinGen allele CA1852501.